The following is an entry in ClinVar:

ClinVar aggregate classification (germline): Uncertain significance (0 of 4 stars; one submission).

Conditions:
SLC18A3-related disorder. Also called: SLC18A3-related condition.

gnomAD v4.1: 11 of 1,608,900 alleles (0.00068%); highest among the groups gnomAD compares: Non-Finnish European, 0.00093%; no homozygotes.

Submission:

PreventionGenetics, part of Exact Sciences
Classification: Uncertain significance for SLC18A3-related condition. Last evaluated: 2024-05-15. Review status: no assertion criteria provided. Collection method: clinical testing. Allele origin: germline.
Comment: The SLC18A3 c.842C>T variant is predicted to result in the amino acid substitution p.Pro281Leu. To our knowledge, this variant has not been reported in the literature. This variant is reported in 0.00089% of alleles in individuals of European (Non-Finnish) descent in gnomAD. At this time, the clinical significance of this variant is uncertain due to the absence of conclusive functional and genetic evidence.

NM_003055.3(SLC18A3):c.842C>T (p.Pro281Leu)

Genes: CHAT (choline O-acetyltransferase; plus strand), SLC18A3 (solute carrier family 18 member A3; plus strand). Cytogenetic location: 10q11.23.
Variant type: single nucleotide variant.
Coding change: c.842C>T on transcript NM_003055.3 (MANE Select); coding-DNA position 842, C replaced by T.
Protein change: p.Pro281Leu; replaces proline 281 with leucine.
Molecular consequence: missense variant. On other transcripts: intron variant (1).
Genome position (GRCh38, 1-based): chr10:49,611,582, C>T. VCF-style: chr10-49611582-C-T. GRCh37 (hg19) VCF-style: chr10-50819628-C-T.
Other names: c.-69+2383C>T (NM_020984.4); short protein forms P281L.
Identifiers: ClinVar variation 3358480 (VCV003358480.1).